The following is an entry in ClinVar:

ClinVar aggregate classification (germline): Uncertain significance (1 of 4 stars; one submission).

Submission:

GeneDx
Classification: Uncertain significance. Last evaluated: 2016-12-09. Review status: criteria provided, single submitter. Criteria: GeneDx Variant Classification (06012015). Collection method: clinical testing. Allele origin: germline. Affected: yes.
Comment: The R1098L variant in the RIMS2 gene has not been reported previously as a pathogenic variant, nor as a benign variant, to our knowledge. The R1098L variant was not observed in approximately 6,000 individuals of European and African American ancestry in the NHLBI Exome Sequencing Project, indicating it is not a common benign variant in these populations. The R1098L variant is a non-conservative amino acid substitution, which is likely to impact secondary protein structure as these residues differ in polarity, charge, size and/or other properties. This substitution occurs at a position that is conserved across species. In silico analysis predicts this variant is probably damaging to the protein structure/function. We interpret R1098L as a variant of uncertain significance.

NM_001348484.3(RIMS2):c.3518G>T (p.Arg1173Leu)

Gene: RIMS2 (regulating synaptic membrane exocytosis 2; plus strand). Cytogenetic location: 8q22.3.
Variant type: single nucleotide variant.
Coding change: c.3518G>T on transcript NM_001348484.3 (MANE Select); coding-DNA position 3518, G replaced by T.
Protein change: p.Arg1173Leu; replaces arginine 1173 with leucine.
Molecular consequence: missense variant. On other transcripts: non-coding transcript variant (2).
Genome position (GRCh38, 1-based): chr8:104,014,574, G>T. VCF-style: chr8-104014574-G-T. GRCh37 (hg19) VCF-style: chr8-105026802-G-T.
Other names: c.3293G>T, p.Arg1098Leu (NM_001100117.3); c.2810G>T, p.Arg937Leu (NM_001282881.2); c.3065G>T, p.Arg1022Leu (NM_001348485.2); c.3464G>T, p.Arg1155Leu (NM_001348486.2); c.3323G>T, p.Arg1108Leu (NM_001348487.2); c.3377G>T, p.Arg1126Leu (NM_001395654.1, NM_001348488.2); c.2735G>T, p.Arg912Leu (NM_014677.5, NM_001348509.2, NM_001348499.2); c.3197G>T, p.Arg1066Leu (NM_001395653.1); and 14 more; short protein forms R1098L, R1069L, R1104L, R1108L, R1126L, R1155L, R1169L, R852L.
Identifiers: ClinVar variation 373736 (VCV000373736.2), dbSNP rs1057518581, ClinGen allele CA16042704.
Genomic context (GRCh38, chr8:104,014,574, plus strand): 5'-CTCGTACTGGGTCTGTCCAGACAAGCCCATCAAGTACTCCAGTCGCAGGACGAAGGGGCC[G>T]ACAGCTTCCACAGCTTCCACCAAAGGGAACGTTGGATAGAAGTAAGTTTTATTTCTAATT-3'
Protein context (NP_001335413.1, residues 1163-1183): SSTPVAGRRG[Arg1173Leu]QLPQLPPKGT